The following is an entry in ClinVar:

NM_005581.5(BCAM):c.1882-9G>A

Gene: BCAM (basal cell adhesion molecule (Lutheran blood group); plus strand). Cytogenetic location: 19q13.32.
Variant type: single nucleotide variant.
Coding change: c.1882-9G>A on transcript NM_005581.5 (MANE Select); 9 bases into the intron before coding-DNA position 1882, G replaced by A.
Molecular consequence: intron variant.
Genome position (GRCh38, 1-based): chr19:44,820,907, G>A. VCF-style: chr19-44820907-G-A. GRCh37 (hg19) VCF-style: chr19-45324164-G-A.
Other names: c.*1093-9G>A (NM_001013257.2).
Identifiers: ClinVar variation 3038688 (VCV003038688.2), dbSNP rs201049330, ClinGen allele CA9505006.

ClinVar aggregate classification (germline): Likely benign (0 of 4 stars; one submission).

Conditions:
BCAM-related disorder. Also called: BCAM-related condition.

Allele frequency attached by ClinVar (database versions not stated): TOPMed 0.00001; gnomAD 0.00003; 1000 Genomes Project 30x 0.00016; 1000 Genomes Project 0.00020; ExAC 0.00058.
gnomAD v4.1: 114 of 1,559,666 alleles (0.0073%); highest among the groups gnomAD compares: South Asian, 0.11%; no homozygotes.

Submission:

PreventionGenetics, part of Exact Sciences
Classification: Likely benign for BCAM-related condition. Last evaluated: 2020-01-03. Review status: no assertion criteria provided. Collection method: clinical testing. Allele origin: germline.
Comment: This variant is classified as likely benign based on ACMG/AMP sequence variant interpretation guidelines (Richards et al. 2015 PMID: 25741868, with internal and published modifications).